The following is an entry in ClinVar:

ClinVar aggregate classification (germline): Uncertain significance (1 of 4 stars; one submission).

Conditions:
GLA-related disorder. Also called: GLA-related condition.

gnomAD v4.1: 27 of 1,189,484 alleles (0.0023%); highest among the groups gnomAD compares: Middle Eastern, 0.023%; no homozygotes.

Submission:

PreventionGenetics, part of Exact Sciences
Classification: Uncertain significance for GLA-related condition. Last evaluated: 2026-05-14. Review status: criteria provided, single submitter. Criteria: ACMG Guidelines, 2015. Collection method: clinical testing. Allele origin: germline.
Comment: The GLA c.801+36G>A variant is predicted to interfere with splicing. This variant is predicted to impact splicing based on one available splicing algorithm (Jaganathan et al. 2019. PubMed ID: 30661751). To our knowledge, this variant has not been reported in the literature. This variant is reported in 0.0076% of alleles in individuals of African descent in gnomAD. At this time, the clinical significance of this variant is uncertain due to the absence of conclusive functional and genetic evidence.

NM_000169.3(GLA):c.801+36G>A

Genes: GLA (galactosidase alpha; minus strand), RPL36A-HNRNPH2 (RPL36A-HNRNPH2 readthrough; plus strand). Cytogenetic location: Xq22.1.
Variant type: single nucleotide variant.
Coding change: c.801+36G>A on transcript NM_000169.3 (MANE Select); 36 bases into the intron after coding-DNA position 801, G replaced by A.
Molecular consequence: intron variant.
Genome position (GRCh38, 1-based): chrX:101,398,749, C>T on the plus strand (G>A on the coding strand, the complement: GLA is on the minus strand). VCF-style: chrX-101398749-C-T. GRCh37 (hg19) VCF-style: chrX-100653737-C-T.
Other names: c.300+3292C>T (NM_001199973.2); c.177+6927C>T (NM_001199974.2); c.924+36G>A (NM_001406747.1); c.801+36G>A (NM_001406748.1).
Identifiers: ClinVar variation 4977285 (VCV004977285.1), dbSNP rs782718869.